The following is an entry in ClinVar:

NM_014974.3(DIP2C):c.691C>T (p.Arg231Trp)

Gene: DIP2C (DIP2 acetate--CoA ligase C (putative); minus strand). Cytogenetic location: 10p15.3.
Variant type: single nucleotide variant.
Coding change: c.691C>T on transcript NM_014974.3 (MANE Select); coding-DNA position 691, C replaced by T.
Protein change: p.Arg231Trp; replaces arginine 231 with tryptophan.
Molecular consequence: missense variant.
Genome position (GRCh38, 1-based): chr10:419,113, G>A on the plus strand (C>T on the coding strand, the complement: DIP2C is on the minus strand). VCF-style: chr10-419113-G-A. GRCh37 (hg19) VCF-style: chr10-465053-G-A.
Other names: c.691C>T (NM_014974.2); short protein forms R231W.
Identifiers: ClinVar variation 1449190 (VCV001449190.7), dbSNP rs373279565, ClinGen allele CA5381237.
Genomic context (GRCh38, chr10:419,113, plus strand): 5'-TTTGGGACGTACCATCCCCGGTCTCCATGAGCTCGGCGTTGCCGTACTTGGGCGCTGTCC[G>A]GGACCCCGTGGAACCCTGCGGTCTCTCCACCTGTATCGAGTGCTCTGAGGTGTACGTGGT-3'
Protein context (NP_055789.1, residues 221-241): VERPQGSTGS[Arg231Trp]TAPKYGNAEL

ClinVar aggregate classification (germline): Uncertain significance. Review status: criteria provided, multiple submitters, no conflicts (2 of 4 stars). 2 submissions from 2 submitters: Uncertain significance (2). Last evaluated 2024-02-12.

Conditions:
Inborn genetic diseases. Identifiers: MedGen C0950123, MeSH D030342.

Allele frequency attached by ClinVar (database versions not stated): gnomAD 0.00003 and 0.00004; TOPMed 0.00003; gnomAD exomes 0.00004 and 0.00007; ExAC 0.00006; ESP Exome Variant Server 0.00015.
gnomAD v4.1: 62 of 1,614,148 alleles (0.0038%); highest among the groups gnomAD compares: East Asian, 0.018%; no homozygotes.

Submissions (2):

Ambry Genetics
Classification: Uncertain significance for Inborn genetic diseases. Last evaluated: 2024-02-12. Review status: criteria provided, single submitter. Criteria: Ambry Variant Classification Scheme 2023. Collection method: clinical testing. Allele origin: germline.

Labcorp Genetics (formerly Invitae), Labcorp
Classification: Uncertain significance. Last evaluated: 2022-11-22. Review status: criteria provided, single submitter. Criteria: Invitae Variant Classification Sherloc (09022015). Collection method: clinical testing. Allele origin: germline.
Comment: ClinVar contains an entry for this variant (Variation ID: 1449190). In summary, the available evidence is currently insufficient to determine the role of this variant in disease. Therefore, it has been classified as a Variant of Uncertain Significance. Algorithms developed to predict the effect of missense changes on protein structure and function are either unavailable or do not agree on the potential impact of this missense change (SIFT: "Deleterious"; PolyPhen-2: "Possibly Damaging"; Align-GVGD: "Class C0"). This variant has not been reported in the literature in individuals affected with DIP2C-related conditions. This variant is present in population databases (rs373279565, gnomAD 0.04%). This sequence change replaces arginine, which is basic and polar, with tryptophan, which is neutral and slightly polar, at codon 231 of the DIP2C protein (p.Arg231Trp).